The following is an entry in ClinVar:

NM_020975.6(RET):c.376T>C (p.Phe126Leu)

Gene: RET (ret proto-oncogene; plus strand). Cytogenetic location: 10q11.21.
Variant type: single nucleotide variant.
Coding change: c.376T>C on transcript NM_020975.6 (MANE Select); coding-DNA position 376, T replaced by C.
Protein change: p.Phe126Leu; replaces phenylalanine 126 with leucine.
Molecular consequence: missense variant.
Genome position (GRCh38, 1-based): chr10:43,102,380, T>C. VCF-style: chr10-43102380-T-C. GRCh37 (hg19) VCF-style: chr10-43597828-T-C.
Other names: c.376T>C, p.Phe126Leu (NM_000323.2, NM_001406743.1, NM_001406744.1 and 16 more transcripts); short protein forms F126L.
Identifiers: ClinVar variation 1505104 (VCV001505104.10), dbSNP rs2132678531, ClinGen allele CA376770693.
Genomic context (GRCh38, chr10:43,102,380, plus strand): 5'-CAGACCTGACTTCTCTCTGCAGACCGCGGCTTTCCCCTGCTCACCGTCTACCTCAAGGTC[T>C]TCCTGTCACCCACATCCCTTCGTGAGGGCGAGTGCCAGTGGCCAGGCTGTGCCCGCGTAT-3'
Protein context (NP_066124.1, residues 116-136): FPLLTVYLKV[Phe126Leu]LSPTSLREGE

ClinVar aggregate classification (germline): Conflicting classifications of pathogenicity. Review status: criteria provided, conflicting classifications (1 of 4 stars). 2 submissions from 2 submitters: Uncertain significance (1); Benign (1). Last evaluated 2023-11-15.

Conditions:
Multiple endocrine neoplasia, type 2 (MEN2). Identifiers: Orphanet 653, MedGen C4048306, MONDO:0019003. Disease mechanism: gain of function.
Ovarian cancer. Also called: OVARIAN CANCER, SOMATIC. Identifiers: Orphanet 213500, MedGen C1140680, MONDO:0008170, OMIM 167000.

Submissions (2):

Labcorp Genetics (formerly Invitae), Labcorp
Classification: Uncertain significance for Multiple endocrine neoplasia, type 2. Last evaluated: 2023-11-15. Review status: criteria provided, single submitter. Criteria: Invitae Variant Classification Sherloc (09022015). Collection method: clinical testing. Allele origin: germline.
Comment: This sequence change replaces phenylalanine, which is neutral and non-polar, with leucine, which is neutral and non-polar, at codon 126 of the RET protein (p.Phe126Leu). This variant is not present in population databases (gnomAD no frequency). This variant has not been reported in the literature in individuals affected with RET-related conditions. ClinVar contains an entry for this variant (Variation ID: 1505104). An algorithm developed to predict the effect of missense changes on protein structure and function (PolyPhen-2) suggests that this variant is likely to be tolerated. In summary, the available evidence is currently insufficient to determine the role of this variant in disease. Therefore, it has been classified as a Variant of Uncertain Significance.

Laboratory of Molecular Epidemiology of Birth Defects, West China Second University Hospital, Sichuan University
Classification: Benign for Ovarian cancer. Last evaluated: 2022-01-01. Review status: criteria provided, single submitter. Criteria: ACMG Guidelines, 2015. Collection method: clinical testing. Allele origin: germline. Affected: yes.